The following is an entry in ClinVar:

ClinVar aggregate classification (germline): Uncertain significance (1 of 4 stars; one submission).

Submission:

GeneDx
Classification: Uncertain significance. Last evaluated: 2024-12-10. Review status: criteria provided, single submitter. Criteria: GeneDx Variant Classification Process June 2021. Collection method: clinical testing. Allele origin: germline. Affected: yes.
Comment: In silico analysis indicates that this missense variant does not alter protein structure/function; Not observed at significant frequency in large population cohorts (gnomAD); Has not been previously published as pathogenic or benign to our knowledge

NM_171998.4(RAB39B):c.304G>A (p.Glu102Lys)

Gene: RAB39B (RAB39B, member RAS oncogene family; minus strand). Cytogenetic location: Xq28.
Variant type: single nucleotide variant.
Coding change: c.304G>A on transcript NM_171998.4 (MANE Select); coding-DNA position 304, G replaced by A.
Protein change: p.Glu102Lys; replaces glutamic acid 102 with lysine.
Molecular consequence: missense variant.
Genome position (GRCh38, 1-based): chrX:155,261,141, C>T on the plus strand (G>A on the coding strand, the complement: RAB39B is on the minus strand). VCF-style: chrX-155261141-C-T. GRCh37 (hg19) VCF-style: chrX-154490426-C-T.
Other names: short protein forms E102K.
Identifiers: ClinVar variation 3903387 (VCV003903387.1).